The following is an entry in ClinVar:

NM_003978.5(PSTPIP1):c.926dup (p.Arg310fs)

Gene: PSTPIP1 (proline-serine-threonine phosphatase interacting protein 1; plus strand). Cytogenetic location: 15q24.3.
Variant type: Duplication.
Coding change: c.926dup on transcript NM_003978.5 (MANE Select); coding-DNA position 926, one base duplicated (A; older notation c.926dupA).
Protein change: p.Arg310fs; shifts the reading frame from arginine 310.
Molecular consequence: frameshift variant. On other transcripts: intron variant (1).
Genome position (GRCh38, 1-based): chr15:77,032,949, A duplicated; the last of 3 consecutive A bases (chr15:77,032,947-77,032,949); duplicating any one gives the same sequence. VCF-style (leftmost placement, unchanged base first): chr15-77032946-T-TA. GRCh37 (hg19) VCF-style: chr15-77325287-T-TA.
Other names: c.899dup, p.Arg301fs (NM_001321136.2); c.1121dup, p.Arg375fs (NM_001321137.1); c.926dup, p.Arg310fs (NM_001411086.1); c.872+521dup (NM_001321135.2); short protein forms R301fs, R310fs, R375fs.
Identifiers: ClinVar variation 3669629 (VCV003669629.2).

ClinVar aggregate classification (germline): Uncertain significance (1 of 4 stars; one submission).

Conditions:
Pyogenic arthritis-pyoderma gangrenosum-acne syndrome (PAPA). Also called: PAPA SYNDROME; FAMILIAL RECURRENT ARTHRITIS. Identifiers: Orphanet 69126, MedGen C1858361, MONDO:0011462, OMIM 604416.

Submission:

Labcorp Genetics (formerly Invitae), Labcorp
Classification: Uncertain significance for Pyogenic arthritis-pyoderma gangrenosum-acne syndrome. Last evaluated: 2024-08-31. Review status: criteria provided, single submitter. Criteria: Invitae Variant Classification Sherloc (09022015). Collection method: clinical testing. Allele origin: germline.
Comment: This sequence change creates a premature translational stop signal (p.Arg310Glufs*33) in the PSTPIP1 gene. It is expected to result in an absent or disrupted protein product. However, the current clinical and genetic evidence is not sufficient to establish whether loss-of-function variants in PSTPIP1 cause disease. This variant is not present in population databases (gnomAD no frequency). This variant has not been reported in the literature in individuals affected with PSTPIP1-related conditions. In summary, the available evidence is currently insufficient to determine the role of this variant in disease. Therefore, it has been classified as a Variant of Uncertain Significance.